The following is an entry in ClinVar:

NM_006767.4(LZTR1):c.212A>C (p.His71Pro)

Gene: LZTR1 (leucine zipper like post translational regulator 1; plus strand). Cytogenetic location: 22q11.21.
Variant type: single nucleotide variant.
Coding change: c.212A>C on transcript NM_006767.4 (MANE Select); coding-DNA position 212, A replaced by C.
Protein change: p.His71Pro; replaces histidine 71 with proline.
Molecular consequence: missense variant.
Genome position (GRCh38, 1-based): chr22:20,983,038, A>C. VCF-style: chr22-20983038-A-C. GRCh37 (hg19) VCF-style: chr22-21337327-A-C.
Other names: short protein forms H71P.
Identifiers: ClinVar variation 1786360 (VCV001786360.3), dbSNP rs1359555609, ClinGen allele CA410778280.

ClinVar aggregate classification (germline): Uncertain significance. Review status: criteria provided, multiple submitters, no conflicts (2 of 4 stars). 2 submissions from 2 submitters: Uncertain significance (2). Last evaluated 2025-07-02.

Conditions:
Hereditary cancer-predisposing syndrome. Also called: Neoplastic Syndromes, Hereditary; Tumor predisposition; Hereditary Cancer Syndrome; Hereditary neoplastic syndrome. Identifiers: Orphanet 140162, MedGen C0027672, MeSH D009386, MONDO:0015356.
Cardiovascular phenotype. Identifiers: MedGen CN230736.

Submissions (2):

Labcorp Genetics (formerly Invitae), Labcorp
Classification: Uncertain significance. Last evaluated: 2025-07-02. Review status: criteria provided, single submitter. Criteria: Invitae Variant Classification Sherloc (09022015). Collection method: clinical testing. Allele origin: germline.
Comment: This sequence change replaces histidine, which is basic and polar, with proline, which is neutral and non-polar, at codon 71 of the LZTR1 protein (p.His71Pro). This variant is not present in population databases (gnomAD no frequency). This variant has not been reported in the literature in individuals affected with LZTR1-related conditions. ClinVar contains an entry for this variant (Variation ID: 1786360). Invitae Evidence Modeling of protein sequence and biophysical properties (such as structural, functional, and spatial information, amino acid conservation, physicochemical variation, residue mobility, and thermodynamic stability) indicates that this missense variant is not expected to disrupt LZTR1 protein function with a negative predictive value of 80%. In summary, the available evidence is currently insufficient to determine the role of this variant in disease. Therefore, it has been classified as a Variant of Uncertain Significance.

Ambry Genetics
Classification: Uncertain significance for Cardiovascular phenotype; Hereditary cancer-predisposing syndrome. Last evaluated: 2022-09-16. Review status: criteria provided, single submitter. Criteria: Ambry Variant Classification Scheme 2023. Collection method: clinical testing. Allele origin: germline.
Comment: The p.H71P variant (also known as c.212A>C), located in coding exon 2 of the LZTR1 gene, results from an A to C substitution at nucleotide position 212. The histidine at codon 71 is replaced by proline, an amino acid with similar properties. This amino acid position is conserved. In addition, this alteration is predicted to be deleterious by in silico analysis. Since supporting evidence is limited at this time, the clinical significance of this alteration remains unclear.